The following is an entry in ClinVar:

ClinVar aggregate classification (germline): Likely pathogenic (0 of 4 stars; one submission).

Conditions:
Glycogen storage disease, type II (IOPD). Also called: CARDIOMEGALIA GLYCOGENICA DIFFUSA; GLYCOGENOSIS, GENERALIZED, CARDIAC FORM; GSD II; POMPE DISEASE, INFANTILE-ONSET; GLYCOGEN STORAGE DISEASE II, INFANTILE-ONSET; ACID ALPHA-GLUCOSIDASE DEFICIENCY, INFANTILE-ONSET. Identifiers: Orphanet 365, MedGen C0017921, MONDO:0009290, OMIM 232300.

Submission:

Ladle Lab, Johns Hopkins University
Classification: Likely pathogenic for Glycogen storage disease, type II. Last evaluated: 2020-04-06. Review status: no assertion criteria provided. Collection method: clinical testing. Allele origin: somatic. Inheritance: Somatic mutation. Affected: yes.
Comment: Mutation identified in conjunction with ALK mutation in a non-MYCN amplified tumor. The single base pair deletion in the PIK3CA gene generates a frameshift resulting in an early stop codon and protein truncation. This alteration is expected to effectively truncate the 1068 amino acid p110-alpha protein within the Orst 900 N-terminal amino acids, within or prior to the kinase domain (PMID 21266528, PMID 15016963). The resulting protein would lack part or all of the kinase domain (PMID 21266528, PMID 15016963). This alteration is therefore predicted to lead to a loss of function.

Literature cited by the submitters: PubMed 23334666; PubMed 21266528; PubMed 15016963.

NM_006218.4(PIK3CA):c.2075del (p.Cys692fs)

Gene: PIK3CA (phosphatidylinositol-4,5-bisphosphate 3-kinase catalytic subunit alpha; plus strand). Cytogenetic location: 3q26.32.
Variant type: Deletion.
Coding change: c.2075del on transcript NM_006218.4 (MANE Select); coding-DNA position 2075, one base deleted (G; older notation c.2075delG).
Protein change: p.Cys692fs; shifts the reading frame from cysteine 692.
Molecular consequence: frameshift variant.
Genome position (GRCh38, 1-based): chr3:179,221,045, G deleted. VCF-style (leftmost placement, unchanged base first): chr3-179221044-TG-T. GRCh37 (hg19) VCF-style: chr3-178938832-TG-T.
Other names: short protein forms C692fs.
Identifiers: ClinVar variation 988765 (VCV000988765.3), dbSNP rs1724954436, ClinGen allele CA1139658346.